The following is an entry in ClinVar:

NC_000013.10:g.(?_32931873)_(32932072_?)del

Gene: BRCA2 (BRCA2 DNA repair associated; plus strand). Cytogenetic location: 13q13.1.
Variant type: Deletion.
Identifiers: ClinVar variation 3244165 (VCV003244165.1).

ClinVar aggregate classification (germline): Pathogenic (1 of 4 stars; one submission).

Conditions:
Hereditary breast ovarian cancer syndrome. Also called: Hereditary breast and ovarian cancer syndrome; Hereditary breast and ovarian cancer; Hereditary breast and ovarian cancer syndrome (HBOC); Breast and ovarian cancer; Hereditary breast and/or ovarian cancer syndrome; BRCA1- and BRCA2-Associated Hereditary Breast and Ovarian Cancer. Identifiers: Orphanet 145, MedGen C0677776, MeSH D061325, MONDO:0003582. Disease mechanism: loss of function.

Submission:

Labcorp Genetics (formerly Invitae), Labcorp
Classification: Pathogenic for Hereditary breast ovarian cancer syndrome. Last evaluated: 2017-01-12. Review status: criteria provided, single submitter. Criteria: Invitae Variant Classification Sherloc (09022015). Collection method: clinical testing. Allele origin: unknown.
Comment: For these reasons, this variant has been classified as Pathogenic. Retrotransposon insertions including LINE1 (L1), Alu, and SVA (SINE-VNTR-Alu) have been reported to be disease-causing through disruption of either a coding region or splice site (PMID: 19763152, 20307669, 22406018). Although this variant has not been reported in the literature, loss-of-function variants in BRCA2 are known to be pathogenic (PMID: 20104584) and other Alu-mediated insertions in BRCA2 have been reported in the literature (PMID: 20232141). This sequence change is an Alu-mediated insertion in exon 16 of the BRCA2 mRNA (c.7665_7666insAlu), causing a frameshift at codon 2556 (p.Asn2556fs). The exact size and sequence of the insertion cannot be determined by the current assay. However, the insertion is expected to result in an absent or disrupted protein product.

Literature cited by the submitters: PubMed 19763152; PubMed 20307669; PubMed 22406018; PubMed 20104584; PubMed 20232141.